The following is an entry in ClinVar:

NC_000001.10:g.(?_161178963)_(161193683_?)dup

Genes: APOA2 (apolipoprotein A2; minus strand), FCER1G (Fc epsilon receptor Ig; plus strand), NDUFS2 (NADH:ubiquinone oxidoreductase core subunit S2; plus strand). Cytogenetic location: 1q23.3.
Variant type: Duplication.
Identifiers: ClinVar variation 2425149 (VCV002425149.4).

ClinVar aggregate classification (germline): Uncertain significance (1 of 4 stars; one submission).

Submission:

Labcorp Genetics (formerly Invitae), Labcorp
Classification: Uncertain significance. Last evaluated: 2022-08-15. Review status: criteria provided, single submitter. Criteria: Invitae Variant Classification Sherloc (09022015). Collection method: clinical testing. Allele origin: germline.
Comment: In summary, the available evidence is currently insufficient to determine the role of this variant in disease. Therefore, it has been classified as a Variant of Uncertain Significance. Experimental studies and prediction algorithms are not available or were not evaluated, and the functional significance of this variant is currently unknown. This variant has not been reported in the literature in individuals affected with NDUFS2-related conditions. This variant results in a copy number gain of the genomic region encompassing exon(s) 5-15 of the NDUFS2 gene. This region includes the termination codon of the gene. This copy number gain extends beyond the assayed region for this gene and therefore may encompass additional genes. As the precise location of this event is unknown, it may be in tandem or it may be located elsewhere in the genome.